The following is an entry in ClinVar:

NM_020774.4(MIB1):c.2944T>C (p.Cys982Arg)

Gene: MIB1 (MIB E3 ubiquitin protein ligase 1; plus strand). Cytogenetic location: 18q11.2.
Variant type: single nucleotide variant.
Coding change: c.2944T>C on transcript NM_020774.4 (MANE Select); coding-DNA position 2944, T replaced by C.
Protein change: p.Cys982Arg; replaces cysteine 982 with arginine.
Molecular consequence: missense variant.
Genome position (GRCh38, 1-based): chr18:21,864,589, T>C. VCF-style: chr18-21864589-T-C. GRCh37 (hg19) VCF-style: chr18-19444550-T-C.
Other names: short protein forms C982R.
Identifiers: ClinVar variation 5024450 (VCV005024450.1).
Genomic context (GRCh38, chr18:21,864,589, plus strand): 5'-ATGTGCCCTGTGTGTCTAGATCGTCTGAAGAATATGATTTTCCTTTGTGGTCACGGAACC[T>C]GTCAACTCTGTGGAGACCGCATGAGTGAATGTCCTATCTGTCGCAAGGCTATTGAACGAA-3'
Protein context (NP_065825.1, residues 972-992): NMIFLCGHGT[Cys982Arg]QLCGDRMSEC

ClinVar aggregate classification (germline): Uncertain significance (1 of 4 stars; one submission).

Conditions:
Inborn genetic diseases. Identifiers: MedGen C0950123, MeSH D030342.

Submission:

Ambry Genetics
Classification: Uncertain significance for Inborn genetic diseases. Last evaluated: 2026-06-25. Review status: criteria provided, single submitter. Criteria: Ambry Variant Classification Scheme 2023. Collection method: clinical testing. Allele origin: germline.
Comment: The p.C982R variant (also known as c.2944T>C), located in coding exon 21 of the MIB1 gene, results from a T to C substitution at nucleotide position 2944. The cysteine at codon 982 is replaced by arginine, an amino acid with highly dissimilar properties. This amino acid position is conserved. In addition, this alteration is predicted to be deleterious by in silico analysis. Based on the available evidence, the clinical significance of this variant remains unclear.